The following is an entry in ClinVar:

ClinVar aggregate classification (germline): Uncertain significance (1 of 4 stars; one submission).

Conditions:
Aicardi-Goutieres syndrome 5. Identifiers: Orphanet 51, MedGen C2749659, MONDO:0013059, OMIM 612952.

Allele frequency attached by ClinVar (database versions not stated): TOPMed below 0.00001.

Submission:

Labcorp Genetics (formerly Invitae), Labcorp
Classification: Uncertain significance for Aicardi-Goutieres syndrome 5. Last evaluated: 2022-01-27. Review status: criteria provided, single submitter. Criteria: Invitae Variant Classification Sherloc (09022015). Collection method: clinical testing. Allele origin: germline.
Comment: In summary, the available evidence is currently insufficient to determine the role of this variant in disease. Therefore, it has been classified as a Variant of Uncertain Significance. Algorithms developed to predict the effect of missense changes on protein structure and function (SIFT, PolyPhen-2, Align-GVGD) all suggest that this variant is likely to be tolerated. This variant has not been reported in the literature in individuals affected with SAMHD1-related conditions. This variant is not present in population databases (gnomAD no frequency). This sequence change replaces isoleucine, which is neutral and non-polar, with valine, which is neutral and non-polar, at codon 381 of the SAMHD1 protein (p.Ile381Val).

NM_015474.4(SAMHD1):c.1141A>G (p.Ile381Val)

Gene: SAMHD1 (SAM and HD domain containing deoxynucleoside triphosphate triphosphohydrolase 1; minus strand). Cytogenetic location: 20q11.23.
Variant type: single nucleotide variant.
Coding change: c.1141A>G on transcript NM_015474.4 (MANE Select); coding-DNA position 1141, A replaced by G.
Protein change: p.Ile381Val; replaces isoleucine 381 with valine.
Molecular consequence: missense variant.
Genome position (GRCh38, 1-based): chr20:36,912,474, T>C on the plus strand (A>G on the coding strand, the complement: SAMHD1 is on the minus strand). VCF-style: chr20-36912474-T-C. GRCh37 (hg19) VCF-style: chr20-35540877-T-C.
Other names: c.1141A>G, p.Ile381Val (NM_001363729.2, NM_001363733.2); short protein forms I381V.
Identifiers: ClinVar variation 1973709 (VCV001973709.5), dbSNP rs1329296186, ClinGen allele CA408844043.